The following is an entry in ClinVar:

ClinVar aggregate classification (germline): Likely benign. Review status: criteria provided, single submitter (1 of 4 stars). 2 submissions from 2 submitters: Likely benign (1). 1 of the submissions does not count toward it. Last evaluated 2022-10-13.

Conditions:
IFT57-related disorder. Also called: IFT57-related condition.

Allele frequency attached by ClinVar (database versions not stated): gnomAD exomes below 0.00001; gnomAD 0.00005; TOPMed 0.00005.
gnomAD v4.1: 8 of 1,613,012 alleles (0.0005%); highest among the groups gnomAD compares: African/African-American, 0.008%; no homozygotes.

Submissions (2):

Labcorp Genetics (formerly Invitae), Labcorp
Classification: Likely benign. Last evaluated: 2022-10-13. Review status: criteria provided, single submitter. Criteria: Invitae Variant Classification Sherloc (09022015). Collection method: clinical testing. Allele origin: germline.

PreventionGenetics, part of Exact Sciences
Classification: Likely benign for IFT57-related condition. Last evaluated: 2021-01-14. Review status: no assertion criteria provided. Collection method: clinical testing. Allele origin: germline. Not counted in ClinVar's aggregate classification.
Comment: This variant is classified as likely benign based on ACMG/AMP sequence variant interpretation guidelines (Richards et al. 2015 PMID: 25741868, with internal and published modifications).

NM_018010.4(IFT57):c.1197C>T (p.His399=)

Gene: IFT57 (intraflagellar transport 57; minus strand). Cytogenetic location: 3q13.12.
Variant type: single nucleotide variant.
Coding change: c.1197C>T on transcript NM_018010.4 (MANE Select); coding-DNA position 1197, C replaced by T.
Protein change: p.His399=; no amino-acid change (histidine 399 retained).
Molecular consequence: synonymous variant.
Genome position (GRCh38, 1-based): chr3:108,162,570, G>A on the plus strand (C>T on the coding strand, the complement: IFT57 is on the minus strand). VCF-style: chr3-108162570-G-A. GRCh37 (hg19) VCF-style: chr3-107881417-G-A.
Other names: c.1197C>T (NM_018010.3).
Identifiers: ClinVar variation 1652906 (VCV001652906.10), dbSNP rs1435923554, ClinGen allele CA435034443.